The following is an entry in ClinVar:

NM_005751.5(AKAP9):c.11189A>C (p.Gln3730Pro)

Gene: AKAP9 (A-kinase anchoring protein 9; plus strand). Cytogenetic location: 7q21.2.
Variant type: single nucleotide variant.
Coding change: c.11189A>C on transcript NM_005751.5 (MANE Select); coding-DNA position 11189, A replaced by C.
Protein change: p.Gln3730Pro; replaces glutamine 3730 with proline.
Molecular consequence: missense variant.
Genome position (GRCh38, 1-based): chr7:92,102,685, A>C. VCF-style: chr7-92102685-A-C. GRCh37 (hg19) VCF-style: chr7-91731999-A-C.
Other names: c.5834A>C, p.Gln1945Pro (NM_001379277.1); c.11165A>C, p.Gln3722Pro (NM_147185.3); c.11189A>C (NM_005751.4); short protein forms Q1945P, Q3722P, Q3730P.
Identifiers: ClinVar variation 1351965 (VCV001351965.9), dbSNP rs372297197, ClinGen allele CA4338104.

ClinVar aggregate classification (germline): Conflicting classifications of pathogenicity. Review status: criteria provided, conflicting classifications (1 of 4 stars). 2 submissions from 2 submitters: Uncertain significance (1); Likely benign (1). Last evaluated 2025-03-30.

Conditions:
Cardiovascular phenotype. Identifiers: MedGen CN230736.
Long QT syndrome (LQTS). Identifiers: MedGen C0023976, MeSH D008133, MONDO:0002442. Disease mechanism: loss of function. Inheritance: Various modes of inheritance.

Allele frequency attached by ClinVar (database versions not stated): ExAC 0.00001; gnomAD exomes 0.00002.
gnomAD v4.1: 7 of 1,614,122 alleles (0.00043%); highest among the groups gnomAD compares: East Asian, 0.016%; no homozygotes.

Submissions (2):

Labcorp Genetics (formerly Invitae), Labcorp
Classification: Uncertain significance for Long QT syndrome. Last evaluated: 2025-03-30. Review status: criteria provided, single submitter. Criteria: Invitae Variant Classification Sherloc (09022015). Collection method: clinical testing. Allele origin: germline.
Comment: This sequence change replaces glutamine, which is neutral and polar, with proline, which is neutral and non-polar, at codon 3730 of the AKAP9 protein (p.Gln3730Pro). This variant is present in population databases (rs372297197, gnomAD 0.03%). This variant has not been reported in the literature in individuals affected with AKAP9-related conditions. ClinVar contains an entry for this variant (Variation ID: 1351965). An algorithm developed to predict the effect of missense changes on protein structure and function (PolyPhen-2) suggests that this variant is likely to be disruptive. In summary, the available evidence is currently insufficient to determine the role of this variant in disease. Therefore, it has been classified as a Variant of Uncertain Significance.

Ambry Genetics
Classification: Likely benign for Cardiovascular phenotype. Last evaluated: 2024-07-07. Review status: criteria provided, single submitter. Criteria: Ambry Variant Classification Scheme 2023. Collection method: clinical testing. Allele origin: germline.